The following is an entry in ClinVar:

NM_003906.5(MCM3AP):c.1819T>C (p.Tyr607His)

Gene: MCM3AP (minichromosome maintenance complex component 3 associated protein; minus strand). Cytogenetic location: 21q22.3.
Variant type: single nucleotide variant.
Coding change: c.1819T>C on transcript NM_003906.5 (MANE Select); coding-DNA position 1819, T replaced by C.
Protein change: p.Tyr607His; replaces tyrosine 607 with histidine.
Molecular consequence: missense variant.
Genome position (GRCh38, 1-based): chr21:46,277,566, A>G on the plus strand (T>C on the coding strand, the complement: MCM3AP is on the minus strand). VCF-style: chr21-46277566-A-G. GRCh37 (hg19) VCF-style: chr21-47697480-A-G.
Other names: short protein forms Y607H.
Identifiers: ClinVar variation 1465982 (VCV001465982.8), dbSNP rs2081271659, ClinGen allele CA410527561.

ClinVar aggregate classification (germline): Uncertain significance (1 of 4 stars; one submission).

Allele frequency attached by ClinVar (database versions not stated): gnomAD exomes 0.00002.
gnomAD v4.1: 14 of 1,602,126 alleles (0.00087%); highest among the groups gnomAD compares: Non-Finnish European, 0.001%; no homozygotes.

Submission:

Labcorp Genetics (formerly Invitae), Labcorp
Classification: Uncertain significance. Last evaluated: 2021-02-16. Review status: criteria provided, single submitter. Criteria: Invitae Variant Classification Sherloc (09022015). Collection method: clinical testing. Allele origin: germline.
Comment: In summary, the available evidence is currently insufficient to determine the role of this variant in disease. Therefore, it has been classified as a Variant of Uncertain Significance. Algorithms developed to predict the effect of missense changes on protein structure and function (SIFT, PolyPhen-2, Align-GVGD) all suggest that this variant is likely to be disruptive, but these predictions have not been confirmed by published functional studies and their clinical significance is uncertain. This variant has not been reported in the literature in individuals with MCM3AP-related conditions. This variant is not present in population databases (ExAC no frequency). This sequence change replaces tyrosine with histidine at codon 607 of the MCM3AP protein (p.Tyr607His). The tyrosine residue is highly conserved and there is a moderate physicochemical difference between tyrosine and histidine.